The following is an entry in ClinVar:

NM_001042492.3(NF1):c.3974+528C>A

Gene: NF1 (neurofibromin 1; plus strand). Cytogenetic location: 17q11.2.
Variant type: single nucleotide variant.
Coding change: c.3974+528C>A on transcript NM_001042492.3 (MANE Select); 528 bases into the intron after coding-DNA position 3974, C replaced by A.
Molecular consequence: intron variant.
Genome position (GRCh38, 1-based): chr17:31,236,549, C>A. VCF-style: chr17-31236549-C-A. GRCh37 (hg19) VCF-style: chr17-29563567-C-A.
Other names: c.3974+528C>A (NM_000267.4).
Identifiers: ClinVar variation 561920 (VCV000561920.1), dbSNP rs17883138, ClinGen allele CA289340752.

ClinVar aggregate classification (germline): Likely benign (1 of 4 stars; one submission).

Allele frequency attached by ClinVar (database versions not stated): gnomAD 0.00761 and 0.00815; TOPMed 0.00801; 1000 Genomes Project 30x 0.00859; 1000 Genomes Project 0.00899.
gnomAD v4.1: 1,145 of 152,184 alleles (0.75%); highest among the groups gnomAD compares: African/African-American, 2.6%; 21 homozygotes.

Submission:

GeneDx
Classification: Likely benign. Last evaluated: 2018-06-14. Review status: criteria provided, single submitter. Criteria: GeneDx Variant Classification (06012015). Collection method: clinical testing. Allele origin: germline. Affected: yes.
Comment: This variant is considered likely benign or benign based on one or more of the following criteria: it is a conservative change, it occurs at a poorly conserved position in the protein, it is predicted to be benign by multiple in silico algorithms, and/or has population frequency not consistent with disease.